The following is an entry in ClinVar:

NM_000215.4(JAK3):c.1688_1693delinsTGGAGGTGAGA (p.Lys563fs)

Gene: JAK3 (Janus kinase 3; minus strand). Cytogenetic location: 19p13.11.
Variant type: Indel.
Coding change: c.1688_1693delinsTGGAGGTGAGA on transcript NM_000215.4 (MANE Select); coding-DNA positions 1688 to 1693, AGAACT replaced by TGGAGGTGAGA.
Protein change: p.Lys563fs; shifts the reading frame from lysine 563.
Molecular consequence: frameshift variant.
Genome position (GRCh38, 1-based): chr19:17,837,940-17,837,945, AGTTCT replaced by TCTCACCTCCA on the plus strand (AGAACT replaced by TGGAGGTGAGA on the coding strand, the reverse complement: JAK3 is on the minus strand). VCF-style: chr19-17837940-AGTTCT-TCTCACCTCCA. GRCh37 (hg19) VCF-style: chr19-17948749-AGTTCT-TCTCACCTCCA.
Other names: short protein forms K563fs.
Identifiers: ClinVar variation 643419 (VCV000643419.5), dbSNP rs1599873591, ClinGen allele CA915952908.

ClinVar aggregate classification (germline): Pathogenic (1 of 4 stars; one submission).

Conditions:
T-B+ severe combined immunodeficiency due to JAK3 deficiency. Also called: SCID, T CELL-NEGATIVE, B CELL-POSITIVE, NK CELL-NEGATIVE; SCID, autosomal recessive, T-negative/B-positive type. Identifiers: Orphanet 35078, MedGen C1833275, MONDO:0010938, OMIM 600802.

Submission:

Labcorp Genetics (formerly Invitae), Labcorp
Classification: Pathogenic for T-B+ severe combined immunodeficiency due to JAK3 deficiency. Last evaluated: 2018-08-06. Review status: criteria provided, single submitter. Criteria: Invitae Variant Classification Sherloc (09022015). Collection method: clinical testing. Allele origin: germline.
Comment: For these reasons, this variant has been classified as Pathogenic. This sequence change creates a premature translational stop signal (p.Lys563Metfs*15) in the JAK3 gene. It is expected to result in an absent or disrupted protein product. This variant is not present in population databases (ExAC no frequency). This variant has not been reported in the literature in individuals with JAK3-related disease. Loss-of-function variants in JAK3 are known to be pathogenic (PMID: 7481768, 11668621).

Literature cited by the submitters: PubMed 7481768; PubMed 11668621.